The following is an entry in ClinVar:

NM_006361.6(HOXB13):c.150C>A (p.Pro50=)

Gene: HOXB13 (homeobox B13; minus strand). Cytogenetic location: 17q21.32.
Variant type: single nucleotide variant.
Coding change: c.150C>A on transcript NM_006361.6 (MANE Select); coding-DNA position 150, C replaced by A.
Protein change: p.Pro50=; no amino-acid change (proline 50 retained).
Molecular consequence: synonymous variant.
Genome position (GRCh38, 1-based): chr17:48,728,444, G>T on the plus strand (C>A on the coding strand, the complement: HOXB13 is on the minus strand). VCF-style: chr17-48728444-G-T. GRCh37 (hg19) VCF-style: chr17-46805806-G-T.
Identifiers: ClinVar variation 2814393 (VCV002814393.5), dbSNP rs1321649246, ClinGen allele CA500502704.
Genomic context (GRCh38, chr17:48,728,444, plus strand): 5'-GGGCACCCCAGGGCATGGGTGGCATTGCTTTGGCGGCTCCGCCGAGCCTGGCAGATCCAA[G>T]GGGGCATAGTTGACAGCAGGCATCAGCGTAGGCGCCGCTGGGTGGCTGGTCAGAGGGGAG-3'
Protein context (NP_006352.2, residues 40-60): PTLMPAVNYA[Pro50=]LDLPGSAEPP

ClinVar aggregate classification (germline): Benign/Likely benign. Review status: criteria provided, multiple submitters, no conflicts (2 of 4 stars). 3 submissions from 3 submitters: Benign (1); Likely benign (2). Last evaluated 2024-12-16.

Conditions:
Prostate cancer, hereditary, 9 (HPC9). Identifiers: Orphanet 1331, MedGen C1970250, MONDO:0012597, OMIM 610997.
Hereditary cancer-predisposing syndrome. Also called: Tumor predisposition; Hereditary Cancer Syndrome; Hereditary neoplastic syndrome; Neoplastic Syndromes, Hereditary. Identifiers: Orphanet 140162, MedGen C0027672, MeSH D009386, MONDO:0015356.

Submissions (3):

Ambry Genetics
Classification: Likely benign for Hereditary cancer-predisposing syndrome. Last evaluated: 2024-12-16. Review status: criteria provided, single submitter. Criteria: Ambry Variant Classification Scheme 2023. Collection method: clinical testing. Allele origin: germline.

Myriad Genetics, Inc.
Classification: Benign for Prostate cancer, hereditary, 9. Last evaluated: 2024-10-29. Review status: criteria provided, single submitter. Criteria: Myriad Autosomal Dominant, Autosomal Recessive and X-Linked Classification Criteria (2023). Collection method: clinical testing. Allele origin: unknown.
Comment: This variant is considered benign. This variant is a silent/synonymous amino acid change and it is not expected to impact splicing.

Labcorp Genetics (formerly Invitae), Labcorp
Classification: Likely benign. Last evaluated: 2023-04-14. Review status: criteria provided, single submitter. Criteria: Invitae Variant Classification Sherloc (09022015). Collection method: clinical testing. Allele origin: germline.